The following is an entry in ClinVar:

ClinVar aggregate classification (germline): Uncertain significance (1 of 4 stars; one submission).

Conditions:
46,XY sex reversal 9 (SRXY9). Also called: 46,XY SEX REVERSAL, ZFPM2-RELATED. Identifiers: Orphanet 251510, MedGen C4015129, MONDO:0014480, OMIM 616067.

gnomAD v4.1: 2 of 1,613,858 alleles (0.00012%); highest among the groups gnomAD compares: East Asian, 0.0045%; no homozygotes.

Submission:

Labcorp Genetics (formerly Invitae), Labcorp
Classification: Uncertain significance for 46,XY sex reversal 9. Last evaluated: 2024-08-12. Review status: criteria provided, single submitter. Criteria: Invitae Variant Classification Sherloc (09022015). Collection method: clinical testing. Allele origin: germline.
Comment: This sequence change replaces proline, which is neutral and non-polar, with serine, which is neutral and polar, at codon 504 of the ZFPM2 protein (p.Pro504Ser). This variant is present in population databases (rs778715258, gnomAD 0.01%). This variant has not been reported in the literature in individuals affected with ZFPM2-related conditions. An algorithm developed to predict the effect of missense changes on protein structure and function (PolyPhen-2) suggests that this variant is likely to be tolerated. In summary, the available evidence is currently insufficient to determine the role of this variant in disease. Therefore, it has been classified as a Variant of Uncertain Significance.

NM_012082.4(ZFPM2):c.1510C>T (p.Pro504Ser)

Genes: ZFPM2 (zinc finger protein, FOG family member 2; plus strand), ZFPM2-AS1 (ZFPM2 antisense RNA 1; minus strand). Cytogenetic location: 8q23.1.
Variant type: single nucleotide variant.
Coding change: c.1510C>T on transcript NM_012082.4 (MANE Select); coding-DNA position 1510, C replaced by T.
Protein change: p.Pro504Ser; replaces proline 504 with serine.
Molecular consequence: missense variant.
Genome position (GRCh38, 1-based): chr8:105,801,592, C>T. VCF-style: chr8-105801592-C-T. GRCh37 (hg19) VCF-style: chr8-106813820-C-T.
Other names: c.1351C>T, p.Pro451Ser (NM_001362836.2); c.1114C>T, p.Pro372Ser (NM_001362837.2); short protein forms P372S, P504S, P451S.
Identifiers: ClinVar variation 3652526 (VCV003652526.2).